The following is an entry in ClinVar:

NM_006514.4(SCN10A):c.3229-124C>T

Genes: SCN10A (sodium voltage-gated channel alpha subunit 10; minus strand), LOC110121288 (VISTA enhancer hs2268; plus strand). Cytogenetic location: 3p22.2.
Variant type: single nucleotide variant.
Coding change: c.3229-124C>T on transcript NM_006514.4 (MANE Select); 124 bases into the intron before coding-DNA position 3229, C replaced by T.
Molecular consequence: intron variant.
Genome position (GRCh38, 1-based): chr3:38,723,677, G>A on the plus strand (C>T on the coding strand, the complement: SCN10A is on the minus strand). VCF-style: chr3-38723677-G-A. GRCh37 (hg19) VCF-style: chr3-38765168-G-A.
Other names: c.2935-124C>T (NM_001293307.2); c.3226-124C>T (NM_001293306.2).
Identifiers: ClinVar variation 679461 (VCV000679461.1), dbSNP rs75660637, ClinGen allele CA72958698.

ClinVar aggregate classification (germline): Likely benign (1 of 4 stars; one submission).

Allele frequency attached by ClinVar (database versions not stated): gnomAD exomes 0.00871; gnomAD 0.01336 and 0.01561; TOPMed 0.01814; 1000 Genomes Project 30x 0.03810; 1000 Genomes Project 0.03854.
gnomAD v4.1: 11,479 of 1,184,630 alleles (0.97%); highest among the groups gnomAD compares: Admixed American, 7.6%; 371 homozygotes.

Submission:

GeneDx
Classification: Likely benign. Last evaluated: 2018-06-15. Review status: criteria provided, single submitter. Criteria: GeneDx Variant Classification (06012015). Collection method: clinical testing. Allele origin: germline. Affected: yes.
Comment: This variant is considered likely benign or benign based on one or more of the following criteria: it is a conservative change, it occurs at a poorly conserved position in the protein, it is predicted to be benign by multiple in silico algorithms, and/or has population frequency not consistent with disease.